The following is an entry in ClinVar:

ClinVar aggregate classification (germline): Uncertain significance. Review status: criteria provided, multiple submitters, no conflicts (2 of 4 stars). 2 submissions from 2 submitters: Uncertain significance (2). Last evaluated 2025-01-19.

Conditions:
Hereditary nonpolyposis colorectal neoplasms. Identifiers: MedGen C0009405, MeSH D003123.
Hereditary cancer-predisposing syndrome. Also called: Hereditary neoplastic syndrome; Tumor predisposition; Neoplastic Syndromes, Hereditary; Hereditary Cancer Syndrome. Identifiers: Orphanet 140162, MedGen C0027672, MeSH D009386, MONDO:0015356.

Allele frequency attached by ClinVar (database versions not stated): gnomAD exomes below 0.00001.
gnomAD v4.1: 1 of 1,610,990 alleles (0.000062%); highest among the groups gnomAD compares: South Asian, 0.0011%; no homozygotes.

Submissions (2):

Labcorp Genetics (formerly Invitae), Labcorp
Classification: Uncertain significance for Hereditary nonpolyposis colorectal neoplasms. Last evaluated: 2025-01-19. Review status: criteria provided, single submitter. Criteria: Invitae Variant Classification Sherloc (09022015). Collection method: clinical testing. Allele origin: germline.
Comment: This sequence change replaces histidine, which is basic and polar, with tyrosine, which is neutral and polar, at codon 1351 of the MSH6 protein (p.His1351Tyr). This variant is not present in population databases (gnomAD no frequency). This variant has not been reported in the literature in individuals affected with MSH6-related conditions. ClinVar contains an entry for this variant (Variation ID: 570267). Invitae Evidence Modeling of protein sequence and biophysical properties (such as structural, functional, and spatial information, amino acid conservation, physicochemical variation, residue mobility, and thermodynamic stability) indicates that this missense variant is not expected to disrupt MSH6 protein function with a negative predictive value of 95%. In summary, the available evidence is currently insufficient to determine the role of this variant in disease. Therefore, it has been classified as a Variant of Uncertain Significance.

Ambry Genetics
Classification: Uncertain significance for Hereditary cancer-predisposing syndrome. Last evaluated: 2024-10-07. Review status: criteria provided, single submitter. Criteria: Ambry Variant Classification Scheme 2023. Collection method: clinical testing. Allele origin: germline.
Comment: The p.H1351Y variant (also known as c.4051C>T), located in coding exon 10 of the MSH6 gene, results from a C to T substitution at nucleotide position 4051. The histidine at codon 1351 is replaced by tyrosine, an amino acid with similar properties. This amino acid position is not well conserved in available vertebrate species. In addition, the in silico prediction for this alteration is inconclusive. Based on the available evidence, the clinical significance of this variant remains unclear.

NM_000179.3(MSH6):c.4051C>T (p.His1351Tyr)

Gene: MSH6 (mutS homolog 6; plus strand). Cytogenetic location: 2p16.3.
Variant type: single nucleotide variant.
Coding change: c.4051C>T on transcript NM_000179.3 (MANE Select); coding-DNA position 4051, C replaced by T.
Protein change: p.His1351Tyr; replaces histidine 1351 with tyrosine.
Molecular consequence: missense variant.
Genome position (GRCh38, 1-based): chr2:47,806,828, C>T. VCF-style: chr2-47806828-C-T. GRCh37 (hg19) VCF-style: chr2-48033967-C-T.
Other names: c.3661C>T, p.His1221Tyr (NM_001281492.2); c.3145C>T, p.His1049Tyr (NM_001281493.2, NM_001281494.2); short protein forms H1351Y, H1049Y, H1221Y.
Identifiers: ClinVar variation 570267 (VCV000570267.14), dbSNP rs1558395737, ClinGen allele CA346761717.